The following is an entry in ClinVar:

ClinVar aggregate classification (germline): Pathogenic. Review status: reviewed by expert panel (3 of 4 stars). 6 submissions from 6 submitters: Pathogenic (1). 5 of the submissions do not count toward it. Last evaluated 2024-04-22.

Conditions:
Leber congenital amaurosis 2 (LCA2). Also called: Autosomal Recessive RPE65-Related Retinal Degeneration; AMAUROSIS CONGENITA OF LEBER II. Identifiers: Orphanet 65, MedGen C1859844, MONDO:0008765, OMIM 204100. Disease mechanism: loss of function.
Retinitis pigmentosa 87 with choroidal involvement. Identifiers: MedGen C5231465, MONDO:0032873, OMIM 618697.
Retinitis pigmentosa 20 (RP20). Identifiers: Orphanet 791, MedGen C3151086, MONDO:0013425, OMIM 613794.
RPE65-related disorder. Also called: RPE65-related disorders; RPE65-related condition. Identifiers: MedGen CN239301.
RPE65-related recessive retinopathy. Also called: Recessive RPE65 retinopathy. Identifiers: MedGen CN305526, MONDO:0100368.

Submissions (6):

ClinGen Leber Congenital Amaurosis/early Onset Retinal Dystrophy Variant Curation Expert Panel, ClinGen
Classification: Pathogenic for RPE65-related recessive retinopathy. Last evaluated: 2024-04-22. Review status: reviewed by expert panel. Criteria: ClinGen LCAeoRD ACMG Specifications RPE65 V1.0.0. Collection method: curation. Allele origin: germline. Inheritance: Autosomal recessive inheritance.
Comment: NM_000329.3(RPE65):c.1059dup (p.Lys354GlufsTer11) is a frameshift variant that introduces a premature stop codon into exon 10 of 14, and is predicted to lead to nonsense-mediated decay in a gene in which loss-of-function is an established mechanism of disease (PVS1). This variant is absent from gnomAD v2.1.1 (PM2_Supporting). This variant has been reported in at least 1 proband with early-onset severe retinal dystrophy who was compound heterozygous with the NM_000329.3(RPE65):c.271C>T (p.Arg91Trp) variant suspected in trans (0.5 points, PMID: 17197551), which was previously classified pathogenic by the ClinGen LCA / eoRD VCEP (0.5 total points, PM3_Supporting). The variant has also been reported in a second proband with early-onset retinal dystrophy who was compound heterozygous with the NM_000329.3(RPE65):c.997G>C (p.Gly333Arg) variant confirmed in trans (PMID: 31273949, PMID: 21602930); however, this case was not considered for this variant to avoid circularity. In summary, this variant meets the criteria to be classified as pathogenic for RPE65-related recessive retinopathy based on the ACMG/AMP criteria applied, as specified by the ClinGen LCA / eoRD VCEP: PVS1, PM2_Supporting, and PM3_Supporting. (VCEP specifications version 1.0.0; date of approval 09/21/2023).

Myriad Genetics, Inc.
Classification: Pathogenic for RPE65-related recessive retinopathy. Last evaluated: 2024-05-14. Review status: criteria provided, single submitter. Criteria: Myriad Autosomal Dominant, Autosomal Recessive and X-Linked Classification Criteria (2023). Collection method: clinical testing. Allele origin: unknown. Not counted in ClinVar's aggregate classification.
Comment: NM_000329.2(RPE65):c.1059dupG(K354Efs*11) is expected to be pathogenic in the context of inherited retinal dystrophy, RPE65-related. This variant is predicted to lead to an abnormal or absent protein product due to the creation of a premature termination codon in RPE65, a gene where loss-of-function variants are known to be pathogenic. Please note: this variant was assessed in the context of healthy population screening.

Baylor Genetics
Classification: Pathogenic for Leber congenital amaurosis 2. Last evaluated: 2022-12-23. Review status: criteria provided, single submitter. Criteria: ACMG Guidelines, 2015. Collection method: clinical testing. Allele origin: unknown. Not counted in ClinVar's aggregate classification.

Blueprint Genetics
Classification: Pathogenic for RPE65-related disorders. Last evaluated: 2022-10-28. Review status: criteria provided, single submitter. Criteria: ACMG Guidelines, 2015. Collection method: clinical testing. Allele origin: germline. Affected: yes. Observed: 1 variant allele. Not counted in ClinVar's aggregate classification.

Labcorp Genetics (formerly Invitae), Labcorp
Classification: Pathogenic for Leber congenital amaurosis 2; Retinitis pigmentosa 20. Last evaluated: 2021-09-09. Review status: criteria provided, single submitter. Criteria: Invitae Variant Classification Sherloc (09022015). Collection method: clinical testing. Allele origin: germline. Not counted in ClinVar's aggregate classification.
Comment: This sequence change creates a premature translational stop signal (p.Lys354Glufs*11) in the RPE65 gene. It is expected to result in an absent or disrupted protein product. Loss-of-function variants in RPE65 are known to be pathogenic (PMID: 9326941, 9501220, 9843205, 18632300). This variant is not present in population databases (ExAC no frequency). This premature translational stop signal has been observed in individual(s) with leber congenital amaurosis (PMID: 17197551). For these reasons, this variant has been classified as Pathogenic.

Juno Genomics, Hangzhou Juno Genomics, Inc
Classification: Pathogenic for Leber congenital amaurosis 2; Retinitis pigmentosa 20; Retinitis pigmentosa 87 with choroidal involvement. Review status: criteria provided, single submitter. Criteria: ACMG Guidelines, 2015. Collection method: clinical testing. Allele origin: germline. Affected: yes. Not counted in ClinVar's aggregate classification.
Comment: Absent from controls (or at extremely low frequency if recessive) in Genome Aggregation Database, Exome Sequencing Project, 1000 Genomes Project, or Exome Aggregation Consortium.;Null variant in a gene where loss of function (LOF) is a known mechanism of disease.;For recessive disorders, detected in trans with a pathogenic variant.;Patient's phenotype or family history is highly specific for a disease with a single genetic etiology.

Literature cited by the submitters: PubMed 9326941 (cited by Labcorp Genetics (formerly Invitae), Labcorp); PubMed 9501220 (cited by Labcorp Genetics (formerly Invitae), Labcorp); PubMed 9843205 (cited by Labcorp Genetics (formerly Invitae), Labcorp); PubMed 18632300 (cited by Labcorp Genetics (formerly Invitae), Labcorp); PubMed 17197551 (cited by Labcorp Genetics (formerly Invitae), Labcorp).

NM_000329.3(RPE65):c.1059dup (p.Lys354fs)

Gene: RPE65 (retinoid isomerohydrolase RPE65; minus strand). Cytogenetic location: 1p31.3.
Variant type: Duplication.
Coding change: c.1059dup on transcript NM_000329.3 (MANE Select); coding-DNA position 1059, one base duplicated (G; older notation c.1059dupG).
Protein change: p.Lys354fs; shifts the reading frame from lysine 354.
Molecular consequence: frameshift variant.
Genome position (GRCh38, 1-based): chr1:68,438,256, C duplicated on the plus strand (G on the coding strand, the reverse complement: RPE65 is on the minus strand). VCF-style (leftmost placement, unchanged base first): chr1-68438255-T-TC. GRCh37 (hg19) VCF-style: chr1-68903938-T-TC.
Other names: NM_000329.3(RPE65):c.1059dup; p.Lys354fs; short protein forms K354fs.
Identifiers: ClinVar variation 1452579 (VCV001452579.12), dbSNP rs2100817031, ClinGen allele CA2573132575.